The following is an entry in ClinVar:

NM_001099922.3(ALG13):c.3205G>A (p.Val1069Ile)

Gene: ALG13 (ALG13 UDP-N-acetylglucosaminyltransferase subunit; plus strand). Cytogenetic location: Xq23.
Variant type: single nucleotide variant.
Coding change: c.3205G>A on transcript NM_001099922.3 (MANE Select); coding-DNA position 3205, G replaced by A.
Protein change: p.Val1069Ile; replaces valine 1069 with isoleucine.
Molecular consequence: missense variant. On other transcripts: non-coding transcript variant (1).
Genome position (GRCh38, 1-based): chrX:111,759,790, G>A. VCF-style: chrX-111759790-G-A. GRCh37 (hg19) VCF-style: chrX-111003018-G-A.
Other names: c.2656G>A, p.Val886Ile (NM_001257230.2, NM_001257234.2, NM_001257237.2); c.2971G>A, p.Val991Ile (NM_001257231.2); c.2968G>A, p.Val990Ile (NM_001324292.2); c.2482G>A, p.Val828Ile (NM_001324293.1); short protein forms V828I, V990I, V991I, V1069I, V886I.
Identifiers: ClinVar variation 1356736 (VCV001356736.8), dbSNP rs2148530841, ClinGen allele CA414293139.
Genomic context (GRCh38, chrX:111,759,790, plus strand): 5'-TCAGATACTTTTCCGAATGCTGATTCTTCATCTGTCCCTCATGGAGCAGTCTATTATCCA[G>A]TAATGTCAGATCCCTATGGGCAGCCACCTTTGCCAGGTTTTGACTCCTGCCTTCCGGTTG-3'
Protein context (NP_001093392.1, residues 1059-1079): SVPHGAVYYP[Val1069Ile]MSDPYGQPPL

ClinVar aggregate classification (germline): Uncertain significance (1 of 4 stars; one submission).

Conditions:
Developmental and epileptic encephalopathy, 36 (DEE36). Also called: Congenital disorder of glycosylation, type Is; Epileptic encephalopathy, early infantile, 36; ALG13-CDG. Identifiers: Orphanet 324422, MedGen C4317295, MONDO:0010472, OMIM 300884.

gnomAD v4.1: 2 of 1,209,134 alleles (0.00017%); highest among the groups gnomAD compares: East Asian, 0.003%; no homozygotes.

Submission:

Labcorp Genetics (formerly Invitae), Labcorp
Classification: Uncertain significance for Developmental and epileptic encephalopathy, 36. Last evaluated: 2021-05-27. Review status: criteria provided, single submitter. Criteria: Invitae Variant Classification Sherloc (09022015). Collection method: clinical testing. Allele origin: germline.
Comment: In summary, the available evidence is currently insufficient to determine the role of this variant in disease. Therefore, it has been classified as a Variant of Uncertain Significance. Algorithms developed to predict the effect of missense changes on protein structure and function output the following: SIFT: "Tolerated"; PolyPhen-2: "Benign"; Align-GVGD: "Class C0". The isoleucine amino acid residue is found in multiple mammalian species, suggesting that this missense change does not adversely affect protein function. These predictions have not been confirmed by published functional studies and their clinical significance is uncertain. This variant has not been reported in the literature in individuals with ALG13-related conditions. This variant is not present in population databases (ExAC no frequency). This sequence change replaces valine with isoleucine at codon 1069 of the ALG13 protein (p.Val1069Ile). The valine residue is moderately conserved and there is a small physicochemical difference between valine and isoleucine.